The following is an entry in ClinVar:

NM_001039591.3(USP9X):c.7443C>G (p.Asp2481Glu)

Gene: USP9X (ubiquitin specific peptidase 9 X-linked; plus strand). Cytogenetic location: Xp11.4.
Variant type: single nucleotide variant.
Coding change: c.7443C>G on transcript NM_001039591.3 (MANE Select); coding-DNA position 7443, C replaced by G.
Protein change: p.Asp2481Glu; replaces aspartic acid 2481 with glutamic acid.
Molecular consequence: missense variant.
Genome position (GRCh38, 1-based): chrX:41,230,512, C>G. VCF-style: chrX-41230512-C-G. GRCh37 (hg19) VCF-style: chrX-41089765-C-G.
Other names: c.7491C>G, p.Asp2497Glu (NM_001039590.3); c.7506C>G, p.Asp2502Glu (NM_001410748.1); c.7458C>G, p.Asp2486Glu (NM_001410749.1); short protein forms D2497E, D2502E, D2481E, D2486E.
Identifiers: ClinVar variation 2856688 (VCV002856688.3), dbSNP rs2063351285, ClinGen allele CA412754378.

ClinVar aggregate classification (germline): Uncertain significance (1 of 4 stars; one submission).

gnomAD v4.1: 1 of 1,209,458 alleles (0.000083%); highest among the groups gnomAD compares: Non-Finnish European, 0.00011%; no homozygotes.

Submission:

Labcorp Genetics (formerly Invitae), Labcorp
Classification: Uncertain significance. Last evaluated: 2023-04-15. Review status: criteria provided, single submitter. Criteria: Invitae Variant Classification Sherloc (09022015). Collection method: clinical testing. Allele origin: germline.
Comment: An algorithm developed to predict the effect of missense changes on protein structure and function (PolyPhen-2) suggests that this variant is likely to be tolerated. This variant has not been reported in the literature in individuals affected with USP9X-related conditions. This variant is not present in population databases (gnomAD no frequency). This sequence change replaces aspartic acid, which is acidic and polar, with glutamic acid, which is acidic and polar, at codon 2497 of the USP9X protein (p.Asp2497Glu). In summary, the available evidence is currently insufficient to determine the role of this variant in disease. Therefore, it has been classified as a Variant of Uncertain Significance.